The following is an entry in ClinVar:

NM_005215.4(DCC):c.628T>G (p.Tyr210Asp)

Gene: DCC (DCC netrin 1 receptor; plus strand). Cytogenetic location: 18q21.2.
Variant type: single nucleotide variant.
Coding change: c.628T>G on transcript NM_005215.4 (MANE Select); coding-DNA position 628, T replaced by G.
Protein change: p.Tyr210Asp; replaces tyrosine 210 with aspartic acid.
Molecular consequence: missense variant.
Genome position (GRCh38, 1-based): chr18:52,906,259, T>G. VCF-style: chr18-52906259-T-G. GRCh37 (hg19) VCF-style: chr18-50432629-T-G.
Other names: short protein forms Y210D.
Identifiers: ClinVar variation 1311001 (VCV001311001.2), dbSNP rs2145447728, ClinGen allele CA402513916.
Genomic context (GRCh38, chr18:52,906,259, plus strand): 5'-GTGGTCTTGCCCTCTGGAGCATTGCAGATCAGCCGACTCCAACCGGGGGACATTGGAATT[T>G]ACCGATGCTCAGCTCGAAATCCAGCCAGCTCAAGAACAGGAAATGAAGCAGAAGTCAGAA-3'
Protein context (NP_005206.2, residues 200-220): SRLQPGDIGI[Tyr210Asp]RCSARNPASS

ClinVar aggregate classification (germline): Uncertain significance (1 of 4 stars; one submission).

Submission:

GeneDx
Classification: Uncertain significance. Last evaluated: 2019-12-24. Review status: criteria provided, single submitter. Criteria: GeneDx Variant Classification Process June 2021. Collection method: clinical testing. Allele origin: germline. Affected: yes.
Comment: Not observed in large population cohorts (Lek et al., 2016); In silico analysis, which includes protein predictors and evolutionary conservation, supports a deleterious effect; Has not been previously published as pathogenic or benign to our knowledge